The following is an entry in ClinVar:

NM_177438.3(DICER1):c.5095+6G>A

Gene: DICER1 (dicer 1, ribonuclease III; minus strand). Cytogenetic location: 14q32.13.
Variant type: single nucleotide variant.
Coding change: c.5095+6G>A on transcript NM_177438.3 (MANE Select); 6 bases into the intron after coding-DNA position 5095, G replaced by A.
Molecular consequence: intron variant.
Genome position (GRCh38, 1-based): chr14:95,095,819, C>T on the plus strand (G>A on the coding strand, the complement: DICER1 is on the minus strand). VCF-style: chr14-95095819-C-T. GRCh37 (hg19) VCF-style: chr14-95562156-C-T.
Other names: c.5095+6G>A (NM_001291628.2, NM_030621.4, NM_001271282.3 and 1 more transcripts).
Identifiers: ClinVar variation 242129 (VCV000242129.14), dbSNP rs760384855, ClinGen allele CA7330751.

ClinVar aggregate classification (germline): Conflicting classifications of pathogenicity. Review status: criteria provided, conflicting classifications (1 of 4 stars). 3 submissions from 3 submitters: Uncertain significance (2); Likely benign (1). Last evaluated 2026-09-15.

Conditions:
DICER1-related disorder. Also called: DICER1-related condition.
DICER1-related tumor predisposition. Also called: DICER1 syndrome; DICER1-related pleuropulmonary blastoma cancer predisposition syndrome. Identifiers: Orphanet 284343, MedGen C3839822, MONDO:0100216.
Hereditary cancer-predisposing syndrome. Also called: Neoplastic Syndromes, Hereditary; Hereditary neoplastic syndrome; Hereditary Cancer Syndrome; Tumor predisposition. Identifiers: Orphanet 140162, MedGen C0027672, MeSH D009386, MONDO:0015356.

Allele frequency attached by ClinVar (database versions not stated): TOPMed 0.00002; gnomAD 0.00003.
gnomAD v4.1: 76 of 1,613,850 alleles (0.0047%); highest among the groups gnomAD compares: Non-Finnish European, 0.0062%; no homozygotes.

Submissions (3):

PreventionGenetics, part of Exact Sciences
Classification: Uncertain significance for DICER1-related condition. Last evaluated: 2026-09-15. Review status: criteria provided, single submitter. Criteria: ACMG Guidelines, 2015. Collection method: clinical testing. Allele origin: germline.
Comment: The DICER1 c.5095+6G>A variant is predicted to interfere with splicing. To our knowledge, this variant has not been reported in the literature. This variant is not predicted to alter splicing based on available splicing prediction programs (SpliceAI, Jaganathan et al. 2019. PubMed ID: 30661751). However, the use of computer prediction programs is not equivalent to functional evidence. This variant is reported in 0.0040% of alleles in individuals of African descent in gnomAD and has conflicting interpretations in ClinVar ranging from uncertain to likely benign (Variation ID: 242129). At this time, the clinical significance of this variant is uncertain due to the absence of conclusive functional and genetic evidence.

Labcorp Genetics (formerly Invitae), Labcorp
Classification: Likely benign for DICER1-related tumor predisposition. Last evaluated: 2025-12-22. Review status: criteria provided, single submitter. Criteria: Invitae Variant Classification Sherloc (09022015). Collection method: clinical testing. Allele origin: germline.

Sema4
Classification: Uncertain significance for Hereditary cancer-predisposing syndrome. Last evaluated: 2022-03-09. Review status: criteria provided, single submitter. Criteria: Sema4 Curation Guidelines. Collection method: curation. Allele origin: germline.
Comment: To the best of our knowledge, the DICER1 c.5095+6G>A variant has not been reported in individuals with DICER1-related disease. This variant was observed in 5/282350 chromosomes across all populations of the large and broad cohorts in the Genome Aggregation Database (PMID: 32461654). The variant has been reported in ClinVar (Variation ID: 242129). In silico tools suggest that the variant does not have an impact on splicing, though these predictions have not been confirmed by functional studies. The evidence is insufficient to meet ACMG/AMP criteria for classifying the variant as benign or pathogenic. Thus, the clinical significance of this variant is currently uncertain.